The following is an entry in ClinVar:

NM_000732.6(CD3D):c.485A>T (p.His162Leu)

Gene: CD3D (CD3 delta subunit of T-cell receptor complex; minus strand). Cytogenetic location: 11q23.3.
Variant type: single nucleotide variant.
Coding change: c.485A>T on transcript NM_000732.6 (MANE Select); coding-DNA position 485, A replaced by T.
Protein change: p.His162Leu; replaces histidine 162 with leucine.
Molecular consequence: missense variant.
Genome position (GRCh38, 1-based): chr11:118,339,193, T>A on the plus strand (A>T on the coding strand, the complement: CD3D is on the minus strand). VCF-style: chr11-118339193-T-A. GRCh37 (hg19) VCF-style: chr11-118209908-T-A.
Other names: c.353A>T, p.His118Leu (NM_001040651.2); short protein forms H118L, H162L.
Identifiers: ClinVar variation 639952 (VCV000639952.8), dbSNP rs1246867427, ClinGen allele CA382787699.
Genomic context (GRCh38, chr11:118,339,193, plus strand): 5'-GCTGCTTCTAGAAGCCACCAGTCTCAGGTTCACTTGTTCCGAGCCCAGTTTCCTCCAAGG[T>A]GGCTGTACTGAGCATCATCTCGATCTCGGAGGGGCTAAGAGAGGAGAAGAGAAAACGGTC-3'
Protein context (NP_000723.1, residues 152-171): LRDRDDAQYS[His162Leu]LGGNWARNK

ClinVar aggregate classification (germline): Uncertain significance (1 of 4 stars; one submission).

Conditions:
Immunodeficiency 19 (IMD19). Also called: IMMUNODEFICIENCY 19, SEVERE COMBINED; CD3-DELTA DEFICIENCY; SEVERE COMBINED IMMUNODEFICIENCY, T CELL-NEGATIVE, B CELL-POSITIVE, NK CELL-POSITIVE; SCID, T CELL-NEGATIVE, B CELL-POSITIVE, NK CELL-POSITIVE. Identifiers: MedGen C3810147, MONDO:0014280, OMIM 615617.

Allele frequency attached by ClinVar (database versions not stated): gnomAD exomes below 0.00001.
gnomAD v4.1: 1 of 1,613,964 alleles (0.000062%); highest among the groups gnomAD compares: Admixed American, 0.0017%; no homozygotes.

Submission:

Labcorp Genetics (formerly Invitae), Labcorp
Classification: Uncertain significance for Immunodeficiency 19. Last evaluated: 2018-07-20. Review status: criteria provided, single submitter. Criteria: Invitae Variant Classification Sherloc (09022015). Collection method: clinical testing. Allele origin: germline.
Comment: This variant has not been reported in the literature in individuals with CD3D-related disease. Algorithms developed to predict the effect of missense changes on protein structure and function (SIFT, PolyPhen-2, Align-GVGD) all suggest that this variant is likely to be tolerated, but these predictions have not been confirmed by published functional studies and their clinical significance is uncertain. This variant is not present in population databases (ExAC no frequency). This sequence change replaces histidine with leucine at codon 162 of the CD3D protein (p.His162Leu). The histidine residue is weakly conserved and there is a moderate physicochemical difference between histidine and leucine. In summary, the available evidence is currently insufficient to determine the role of this variant in disease. Therefore, it has been classified as a Variant of Uncertain Significance.